The following is an entry in ClinVar:

NM_005529.7(HSPG2):c.6913G>A (p.Asp2305Asn)

Gene: HSPG2 (heparan sulfate proteoglycan 2; minus strand). Cytogenetic location: 1p36.12.
Variant type: single nucleotide variant.
Coding change: c.6913G>A on transcript NM_005529.7 (MANE Select); coding-DNA position 6913, G replaced by A.
Protein change: p.Asp2305Asn; replaces aspartic acid 2305 with asparagine.
Molecular consequence: missense variant.
Genome position (GRCh38, 1-based): chr1:21,851,884, C>T on the plus strand (G>A on the coding strand, the complement: HSPG2 is on the minus strand). VCF-style: chr1-21851884-C-T. GRCh37 (hg19) VCF-style: chr1-22178377-C-T.
Other names: c.6916G>A, p.Asp2306Asn (NM_001291860.2); short protein forms D2305N, D2306N.
Identifiers: ClinVar variation 1373364 (VCV001373364.5), dbSNP rs746768151, ClinGen allele CA671377.

ClinVar aggregate classification (germline): Uncertain significance (1 of 4 stars; one submission).

Allele frequency attached by ClinVar (database versions not stated): gnomAD exomes 0.00001 and 0.00002; ExAC 0.00003; gnomAD 0.00003 and 0.00004; TOPMed 0.00005.
gnomAD v4.1: 35 of 1,611,982 alleles (0.0022%); highest among the groups gnomAD compares: Non-Finnish European, 0.0025%; no homozygotes.

Submission:

Labcorp Genetics (formerly Invitae), Labcorp
Classification: Uncertain significance. Last evaluated: 2022-09-07. Review status: criteria provided, single submitter. Criteria: Invitae Variant Classification Sherloc (09022015). Collection method: clinical testing. Allele origin: germline.
Comment: This sequence change replaces aspartic acid, which is acidic and polar, with asparagine, which is neutral and polar, at codon 2305 of the HSPG2 protein (p.Asp2305Asn). This variant is present in population databases (rs746768151, gnomAD 0.004%). This variant has not been reported in the literature in individuals affected with HSPG2-related conditions. ClinVar contains an entry for this variant (Variation ID: 1373364). Algorithms developed to predict the effect of missense changes on protein structure and function are either unavailable or do not agree on the potential impact of this missense change (SIFT: "Deleterious"; PolyPhen-2: "Probably Damaging"; Align-GVGD: "Class C0"). In summary, the available evidence is currently insufficient to determine the role of this variant in disease. Therefore, it has been classified as a Variant of Uncertain Significance.